The following is an entry in ClinVar:

ClinVar aggregate classification (germline): Pathogenic/Likely pathogenic. Review status: criteria provided, multiple submitters, no conflicts (2 of 4 stars). 5 submissions from 5 submitters: Pathogenic (1); Likely pathogenic (2). 2 of the submissions do not count toward it. Last evaluated 2023-05-17.

Conditions:
Neurodevelopmental disorder. Identifiers: MedGen C1535926, MeSH D065886, MONDO:0700092.
Intellectual disability. Also called: intellectual disabilities; Intellectual developmental disorder; Intellectual functioning disability. Identifiers: MedGen C3714756, MeSH D008607, MONDO:0001071, HP:0001249.
Intellectual developmental disorder, autosomal dominant 64. Also called: MENTAL RETARDATION, AUTOSOMAL DOMINANT 64. Identifiers: MedGen C5543067, MONDO:0030934, OMIM 619188.

Submissions (5):

Institute of Human Genetics, University of Leipzig Medical Center
Classification: Pathogenic for Intellectual developmental disorder, autosomal dominant 64. Last evaluated: 2023-05-17. Review status: criteria provided, single submitter. Criteria: ACMG Guidelines, 2015. Collection method: clinical testing. Allele origin: unknown. Inheritance: Autosomal dominant inheritance. Affected: yes.
Comment: Criteria applied: PVS1, PS2_MOD, PS4_SUP, PM2_SUP

Institute of Immunology and Genetics Kaiserslautern
Classification: Likely pathogenic for Intellectual developmental disorder, autosomal dominant 64. Last evaluated: 2023-01-20. Review status: criteria provided, single submitter. Criteria: ACMG Guidelines, 2015. Collection method: clinical testing. Allele origin: germline. Affected: yes.
Comment: ACMG Criteria: PVS1, PM2; Variant was found in heterozygous state.

Diagnostic Laboratory, Strasbourg University Hospital
Classification: Likely pathogenic for Intellectual disability. Last evaluated: 2021-07-19. Review status: criteria provided, single submitter. Criteria: ACMG Guidelines, 2015. Collection method: clinical testing. Allele origin: de novo. Inheritance: Sporadic. Affected: yes. Observed: 1 heterozygote.

OMIM
Classification: Pathogenic for INTELLECTUAL DEVELOPMENTAL DISORDER, AUTOSOMAL DOMINANT 64. Last evaluated: 2021-02-19. Review status: no assertion criteria provided. Collection method: literature only. Allele origin: germline. Not counted in ClinVar's aggregate classification.

University of Washington Center for Mendelian Genomics, University of Washington
Classification: Likely pathogenic for Neurodevelopmental disorder. Review status: no assertion criteria provided. Collection method: research. Allele origin: de novo. Affected: yes. Not counted in ClinVar's aggregate classification.

Literature cited by the submitters: PubMed 31723249 (cited by OMIM and University of Washington Center for Mendelian Genomics, University of Washington); PubMed 25363760 (cited by OMIM).

NM_015021.3(ZNF292):c.265C>T (p.Arg89Ter)

Gene: ZNF292 (zinc finger protein 292; plus strand). Cytogenetic location: 6q14.3.
Variant type: single nucleotide variant.
Coding change: c.265C>T on transcript NM_015021.3 (MANE Select); coding-DNA position 265, C replaced by T.
Protein change: p.Arg89Ter; replaces arginine 89 with a stop codon.
Molecular consequence: nonsense. On other transcripts: 5 prime UTR variant (1).
Genome position (GRCh38, 1-based): chr6:87,215,999, C>T. VCF-style: chr6-87215999-C-T. GRCh37 (hg19) VCF-style: chr6-87925717-C-T.
Other names: ZNF292, ARG89TER (rs86590); c.-156C>T (NM_001351444.2); short protein forms R89*.
Identifiers: ClinVar variation 981386 (VCV000981386.8), dbSNP rs865909396, ClinGen allele CA142875240.